The following is an entry in ClinVar:

ClinVar aggregate classification (germline): Uncertain significance (1 of 4 stars; one submission).

Conditions:
Dilated cardiomyopathy 1G (CMD1G). Identifiers: Orphanet 154, MedGen C1858763, MONDO:0011400, OMIM 604145.
Autosomal recessive limb-girdle muscular dystrophy type 2J (LGMDR10). Also called: Limb-girdle muscular dystrophy, type 2J; MUSCULAR DYSTROPHY, LIMB-GIRDLE, AUTOSOMAL RECESSIVE 10. Identifiers: Orphanet 140922, MedGen C1837342, MONDO:0012127, OMIM 608807.

Submission:

Labcorp Genetics (formerly Invitae), Labcorp
Classification: Uncertain significance for Dilated cardiomyopathy 1G; Autosomal recessive limb-girdle muscular dystrophy type 2J. Last evaluated: 2023-09-03. Review status: criteria provided, single submitter. Criteria: Invitae Variant Classification Sherloc (09022015). Collection method: clinical testing. Allele origin: germline.
Comment: In summary, the available evidence is currently insufficient to determine the role of this variant in disease. Therefore, it has been classified as a Variant of Uncertain Significance. This variant is located in the M band of TTN (PMID: 25589632). Variants in this region may be relevant for neuromuscular disorders, but have not been definitively shown to cause cardiomyopathy (PMID: 23975875). Experimental studies and prediction algorithms are not available or were not evaluated, and the functional significance of this variant is currently unknown. ClinVar contains an entry for this variant (Variation ID: 1013804). This variant has not been reported in the literature in individuals affected with TTN-related conditions. This variant is not present in population databases (gnomAD no frequency). This sequence change replaces arginine, which is basic and polar, with glycine, which is neutral and non-polar, at codon 33903 of the TTN protein (p.Arg33903Gly).

Literature cited by the submitters: PubMed 25589632; PubMed 23975875.

NM_001267550.2(TTN):c.101707C>G (p.Arg33903Gly)

Genes: TTN-AS1 (TTN antisense RNA 1; plus strand), TTN (titin; minus strand). Cytogenetic location: 2q31.2.
Variant type: single nucleotide variant.
Coding change: c.101707C>G on transcript NM_001267550.2 (MANE Select); coding-DNA position 101707, C replaced by G.
Protein change: p.Arg33903Gly; replaces arginine 33903 with glycine.
Molecular consequence: missense variant.
Genome position (GRCh38, 1-based): chr2:178,534,908, G>C on the plus strand (C>G on the coding strand, the complement: TTN is on the minus strand). VCF-style: chr2-178534908-G-C. GRCh37 (hg19) VCF-style: chr2-179399635-G-C.
Other names: c.74512C>G, p.Arg24838Gly (NM_003319.4); c.94003C>G, p.Arg31335Gly (NM_133378.4); c.75088C>G, p.Arg25030Gly (NM_133437.4); c.74887C>G, p.Arg24963Gly (NM_133432.3); c.96784C>G, p.Arg32262Gly (NM_001256850.1); short protein forms R24838G, R24963G, R25030G, R31335G, R32262G, R33903G.
Identifiers: ClinVar variation 1013804 (VCV001013804.5), dbSNP rs772574722, ClinGen allele CA349419830.